The following is an entry in ClinVar:

ClinVar aggregate classification (germline): Pathogenic. Review status: reviewed by expert panel (3 of 4 stars). 8 submissions from 8 submitters: Pathogenic (1). 7 of the submissions do not count toward it. Last evaluated 2016-09-08.

Conditions:
Hereditary cancer-predisposing syndrome. Also called: Tumor predisposition; Hereditary Cancer Syndrome; Neoplastic Syndromes, Hereditary; Hereditary neoplastic syndrome. Identifiers: Orphanet 140162, MedGen C0027672, MeSH D009386, MONDO:0015356.
Hereditary breast ovarian cancer syndrome. Also called: Breast and ovarian cancer; Hereditary breast and ovarian cancer; Hereditary breast and ovarian cancer syndrome; BRCA1- and BRCA2-Associated Hereditary Breast and Ovarian Cancer; Hereditary breast and ovarian cancer syndrome (HBOC); Hereditary breast and/or ovarian cancer syndrome. Identifiers: Orphanet 145, MedGen C0677776, MeSH D061325, MONDO:0003582. Disease mechanism: loss of function.
Breast-ovarian cancer, familial, susceptibility to, 2 (BROVCA2). Also called: BRCA2 Hereditary Breast and Ovarian Cancer. Identifiers: Orphanet 145, MedGen C2675520, MONDO:0012933, OMIM 612555. Disease mechanism: loss of function.

Submissions (8):

Evidence-based Network for the Interpretation of Germline Mutant Alleles (ENIGMA)
Classification: Pathogenic for Breast-ovarian cancer, familial, susceptibility to, 2. Last evaluated: 2016-09-08. Review status: reviewed by expert panel. Criteria: ENIGMA BRCA1/2 Classification Criteria (2015). Collection method: curation. Allele origin: germline.
Comment: Variant allele predicted to encode a truncated non-functional protein.

Clinical Genetics Laboratory, Skane University Hospital Lund
Classification: Pathogenic. Last evaluated: 2023-06-27. Review status: criteria provided, single submitter. Criteria: ACMG Guidelines, 2015. Collection method: clinical testing. Allele origin: germline. Affected: yes. Not counted in ClinVar's aggregate classification.

Women's Health and Genetics/Laboratory Corporation of America, LabCorp
Classification: Pathogenic for Hereditary breast ovarian cancer syndrome. Last evaluated: 2023-04-14. Review status: criteria provided, single submitter. Criteria: LabCorp Variant Classification Summary - May 2015. Collection method: clinical testing. Allele origin: germline. Not counted in ClinVar's aggregate classification.
Comment: Variant summary: BRCA2 c.1819A>T (p.Lys607X) results in a premature termination codon, predicted to cause a truncation of the encoded protein or absence of the protein due to nonsense mediated decay, which are commonly known mechanisms for disease. Truncations downstream of this position have been classified as pathogenic by our laboratory. The variant was absent in 240812 control chromosomes. c.1819A>T has been reported in individuals affected with Hereditary Breast And Ovarian Cancer Syndrome (Bilyalov_2022, BIC database). Three submitters, including an expert panel (ENIGMA), have provided clinical-significance assessments for this variant to ClinVar after 2014, and classified the variant as pathogenic. Based on the evidence outlined above, the variant was classified as pathogenic.

Labcorp Genetics (formerly Invitae), Labcorp
Classification: Pathogenic for Hereditary breast ovarian cancer syndrome. Last evaluated: 2021-09-17. Review status: criteria provided, single submitter. Criteria: Invitae Variant Classification Sherloc (09022015). Collection method: clinical testing. Allele origin: germline. Not counted in ClinVar's aggregate classification.
Comment: For these reasons, this variant has been classified as Pathogenic. Algorithms developed to predict the effect of sequence changes on RNA splicing suggest that this variant may create or strengthen a splice site. ClinVar contains an entry for this variant (Variation ID: 91760). This variant has not been reported in the literature in individuals affected with BRCA2-related conditions. This variant is not present in population databases (ExAC no frequency). This sequence change creates a premature translational stop signal (p.Lys607*) in the BRCA2 gene. It is expected to result in an absent or disrupted protein product. Loss-of-function variants in BRCA2 are known to be pathogenic (PMID: 20104584).

Ambry Genetics
Classification: Pathogenic for Hereditary cancer-predisposing syndrome. Last evaluated: 2020-06-30. Review status: criteria provided, single submitter. Criteria: Ambry Variant Classification Scheme 2023. Collection method: clinical testing. Allele origin: germline. Not counted in ClinVar's aggregate classification.
Comment: The p.K607* pathogenic mutation (also known as c.1819A>T), located in coding exon 9 of the BRCA2 gene, results from an A to T substitution at nucleotide position 1819. This changes the amino acid from a lysine to a stop codon within coding exon 9. This alteration was identified in a large, worldwide study of BRCA1/2 mutation positive families (Rebbeck TR et al. Hum Mutat. 2018 May;39(5):593-620). In addition to the clinical data presented in the literature, this alteration is expected to result in loss of function by premature protein truncation or nonsense-mediated mRNA decay. As such, this alteration is interpreted as a disease-causing mutation.

Research Molecular Genetics Laboratory, Women's College Hospital, University of Toronto
Classification: Pathogenic for Hereditary breast ovarian cancer syndrome. Last evaluated: 2014-01-31. Review status: no assertion criteria provided. Collection method: research. Allele origin: germline. Affected: yes. Study: The Canadian Open Genetics Repository (COGR). Not counted in ClinVar's aggregate classification.

Sharing Clinical Reports Project (SCRP)
Classification: Pathogenic for Breast-ovarian cancer, familial 2. Last evaluated: 2012-05-01. Review status: no assertion criteria provided. Collection method: clinical testing. Allele origin: germline. Not counted in ClinVar's aggregate classification.

Breast Cancer Information Core (BIC) (BRCA2)
Classification: Pathogenic for Breast-ovarian cancer, familial 2. Last evaluated: 2002-05-29. Review status: no assertion criteria provided. Collection method: clinical testing. Allele origin: germline. Affected: yes. Observed: 5 variant alleles. Not counted in ClinVar's aggregate classification.

Literature cited by the submitters: PubMed 36290365 (cited by Women's Health and Genetics/Laboratory Corporation of America, LabCorp); PubMed 20104584 (cited by Labcorp Genetics (formerly Invitae), Labcorp).

NM_000059.4(BRCA2):c.1819A>T (p.Lys607Ter)

Gene: BRCA2 (BRCA2 DNA repair associated; plus strand). Cytogenetic location: 13q13.1.
Variant type: single nucleotide variant.
Coding change: c.1819A>T on transcript NM_000059.4 (MANE Select); coding-DNA position 1819, A replaced by T.
Protein change: p.Lys607Ter; replaces lysine 607 with a stop codon.
Molecular consequence: nonsense.
Genome position (GRCh38, 1-based): chr13:32,333,297, A>T. VCF-style: chr13-32333297-A-T. GRCh37 (hg19) VCF-style: chr13-32907434-A-T.
Other names: short protein forms K607*.
Identifiers: ClinVar variation 91760 (VCV000091760.11), dbSNP rs80358471, ClinGen allele CA013458.
Genomic context (GRCh38, chr13:32,333,297, plus strand): 5'-ACAAATAAGTTTATTTATGCTATACATGATGAAACATCTTATAAAGGAAAAAAAATACCG[A>T]AAGACCAAAAATCAGAACTAATTAACTGTTCAGCCCAGTTTGAAGCAAATGCTTTTGAAG-3'